The following is an entry in ClinVar:

NM_001386795.1(DTNA):c.1086-464T>C

Gene: DTNA (dystrobrevin alpha; plus strand). Cytogenetic location: 18q12.1.
Variant type: single nucleotide variant.
Coding change: c.1086-464T>C on transcript NM_001386795.1 (MANE Select); 464 bases into the intron before coding-DNA position 1086, T replaced by C.
Molecular consequence: intron variant.
Genome position (GRCh38, 1-based): chr18:34,828,936, T>C. VCF-style: chr18-34828936-T-C. GRCh37 (hg19) VCF-style: chr18-32408900-T-C.
Other names: c.1094+1260T>C (NM_032975.4, NM_001386761.1, NM_001386762.1 and 3 more transcripts); c.1086-464T>C (NM_001386754.1, NM_001386755.1, NM_001386760.1 and 6 more transcripts); c.1085+1260T>C (NM_001386763.1, NM_001386764.1, NM_001386768.1 and 14 more transcripts); c.603+16823T>C (NM_001198945.2); c.1095-105T>C (NM_001392.5, NM_001386775.1); c.1086-105T>C (NM_001386776.1, NM_001128175.2, NM_001386777.1); c.335+1260T>C (NM_001198943.1); c.132-464T>C (NM_001198942.1, NM_001198944.1); and 1 more.
Identifiers: ClinVar variation 672652 (VCV000672652.2), dbSNP rs9946576, ClinGen allele CA297769360.

ClinVar aggregate classification (germline): Benign. Review status: criteria provided, multiple submitters, no conflicts (2 of 4 stars). 2 submissions from 2 submitters: Benign (2). Last evaluated 2018-06-15.

Allele frequency attached by ClinVar (database versions not stated): 1000 Genomes Project 0.22963; 1000 Genomes Project 30x 0.23579; TOPMed 0.26477; gnomAD 0.27097.
gnomAD v4.1: 326,768 of 1,274,656 alleles (26%); highest among the groups gnomAD compares: African/African-American, 35%; 44,058 homozygotes.

Submissions (2):

GeneDx
Classification: Benign. Last evaluated: 2018-06-15. Review status: criteria provided, single submitter. Criteria: GeneDx Variant Classification (06012015). Collection method: clinical testing. Allele origin: germline. Affected: yes.
Comment: This variant is considered likely benign or benign based on one or more of the following criteria: it is a conservative change, it occurs at a poorly conserved position in the protein, it is predicted to be benign by multiple in silico algorithms, and/or has population frequency not consistent with disease.

Breakthrough Genomics
Classification: Benign. Review status: criteria provided, single submitter. Criteria: ACMG Guidelines, 2015. Collection method: not provided. Allele origin: germline. Inheritance: Autosomal dominant inheritance. Affected: yes.